The following is an entry in ClinVar:

ClinVar aggregate classification (germline): Uncertain significance (1 of 4 stars; one submission).

Conditions:
Inborn genetic diseases. Identifiers: MedGen C0950123, MeSH D030342.

Submission:

Ambry Genetics
Classification: Uncertain significance for Inborn genetic diseases. Last evaluated: 2019-12-13. Review status: criteria provided, single submitter. Criteria: Ambry Variant Classification Scheme 2023. Collection method: clinical testing. Allele origin: germline.
Comment: The p.W4592S variant (also known as c.13775G>C), located in coding exon 77 of the DYNC1H1 gene, results from a G to C substitution at nucleotide position 13775. The tryptophan at codon 4592 is replaced by serine, an amino acid with highly dissimilar properties. This amino acid position is highly conserved in available vertebrate species. In addition, this alteration is predicted to be deleterious by in silico analysis. Since supporting evidence is limited at this time, the clinical significance of this alteration remains unclear.

NM_001376.5(DYNC1H1):c.13775G>C (p.Trp4592Ser)

Gene: DYNC1H1 (dynein cytoplasmic 1 heavy chain 1; plus strand). Cytogenetic location: 14q32.31.
Variant type: single nucleotide variant.
Coding change: c.13775G>C on transcript NM_001376.5 (MANE Select); coding-DNA position 13775, G replaced by C.
Protein change: p.Trp4592Ser; replaces tryptophan 4592 with serine.
Molecular consequence: missense variant.
Genome position (GRCh38, 1-based): chr14:102,050,161, G>C. VCF-style: chr14-102050161-G-C. GRCh37 (hg19) VCF-style: chr14-102516498-G-C.
Other names: short protein forms W4592S.
Identifiers: ClinVar variation 1771180 (VCV001771180.2), dbSNP rs2503891803, ClinGen allele CA391052041.